The following is an entry in ClinVar:

ClinVar aggregate classification (germline): Benign/Likely benign. Review status: criteria provided, multiple submitters, no conflicts (2 of 4 stars). 5 submissions from 5 submitters: Benign (2); Likely benign (1). 2 of the submissions do not count toward it. Last evaluated 2026-03-01.

Allele frequency attached by ClinVar (database versions not stated): TOPMed 0.00580; ESP Exome Variant Server 0.00784; 1000 Genomes Project 0.00339; 1000 Genomes Project 30x 0.00344; gnomAD 0.00373.
gnomAD v4.1: 10,964 of 1,614,026 alleles (0.68%); highest among the groups gnomAD compares: Middle Eastern, 0.83%; 60 homozygotes.

Submissions (5):

CeGaT Center for Human Genetics Tuebingen
Classification: Likely benign. Last evaluated: 2026-03-01. Review status: criteria provided, single submitter. Criteria: CeGaT Center For Human Genetics Tuebingen Variant Classification Criteria Version 2. Collection method: clinical testing. Allele origin: germline. Affected: yes. Observed: 3 variant alleles.
Comment: PTPN14: BP4, BP7, BS2

Labcorp Genetics (formerly Invitae), Labcorp
Classification: Benign. Last evaluated: 2019-12-31. Review status: criteria provided, single submitter. Criteria: Invitae Variant Classification Sherloc (09022015). Collection method: clinical testing. Allele origin: germline.

Breakthrough Genomics
Classification: Benign. Review status: criteria provided, single submitter. Criteria: ACMG Guidelines, 2015. Collection method: not provided. Allele origin: germline. Inheritance: Autosomal recessive inheritance. Affected: yes.

Clinical Genetics DNA and cytogenetics Diagnostics Lab, Erasmus MC, Erasmus Medical Center
Classification: Likely benign. Review status: no assertion criteria provided. Collection method: clinical testing. Allele origin: germline. Affected: yes. Study: VKGL Data-share Consensus. Not counted in ClinVar's aggregate classification.

Clinical Genetics, Academic Medical Center
Classification: Benign. Review status: no assertion criteria provided. Collection method: clinical testing. Allele origin: germline. Affected: yes. Study: VKGL Data-share Consensus. Not counted in ClinVar's aggregate classification.

NM_005401.5(PTPN14):c.1200G>A (p.Ser400=)

Gene: PTPN14 (protein tyrosine phosphatase non-receptor type 14; minus strand). Cytogenetic location: 1q32.3.
Variant type: single nucleotide variant.
Coding change: c.1200G>A on transcript NM_005401.5 (MANE Select); coding-DNA position 1200, G replaced by A.
Protein change: p.Ser400=; no amino-acid change (serine 400 retained).
Molecular consequence: synonymous variant.
Genome position (GRCh38, 1-based): chr1:214,384,655, C>T on the plus strand (G>A on the coding strand, the complement: PTPN14 is on the minus strand). VCF-style: chr1-214384655-C-T. GRCh37 (hg19) VCF-style: chr1-214557998-C-T.
Identifiers: ClinVar variation 774804 (VCV000774804.32), dbSNP rs12404313, ClinGen allele CA1389149.